The following is an entry in ClinVar:

ClinVar aggregate classification (germline): Uncertain significance (1 of 4 stars; one submission).

Conditions:
Dystonic disorder. Also called: Dystonia. Identifiers: MedGen C0013421, MONDO:0003441, HP:0001332.

Allele frequency attached by ClinVar (database versions not stated): gnomAD exomes below 0.00001.
gnomAD v4.1: 2 of 1,613,846 alleles (0.00012%); highest among the groups gnomAD compares: Non-Finnish European, 0.00017%; no homozygotes.

Submission:

Labcorp Genetics (formerly Invitae), Labcorp
Classification: Uncertain significance for Dystonic disorder. Last evaluated: 2022-06-02. Review status: criteria provided, single submitter. Criteria: Invitae Variant Classification Sherloc (09022015). Collection method: clinical testing. Allele origin: germline.
Comment: In summary, the available evidence is currently insufficient to determine the role of this variant in disease. Therefore, it has been classified as a Variant of Uncertain Significance. This variant has not been reported in the literature in individuals affected with ANO3-related conditions. This variant is not present in population databases (gnomAD no frequency). This sequence change creates a premature translational stop signal (p.Gly728*) in the ANO3 gene. It is expected to result in an absent or disrupted protein product. However, the current clinical and genetic evidence is not sufficient to establish whether loss-of-function variants in ANO3 cause disease.

NM_031418.4(ANO3):c.2182G>T (p.Gly728Ter)

Gene: ANO3 (anoctamin 3; plus strand). Cytogenetic location: 11p14.2.
Variant type: single nucleotide variant.
Coding change: c.2182G>T on transcript NM_031418.4 (MANE Select); coding-DNA position 2182, G replaced by T.
Protein change: p.Gly728Ter; replaces glycine 728 with a stop codon.
Molecular consequence: nonsense.
Genome position (GRCh38, 1-based): chr11:26,641,936, G>T. VCF-style: chr11-26641936-G-T. GRCh37 (hg19) VCF-style: chr11-26663483-G-T.
Other names: c.2365G>T, p.Gly789Ter (NM_001313726.2); c.1744G>T, p.Gly582Ter (NM_001313727.2); short protein forms G728*, G789*, G582*.
Identifiers: ClinVar variation 2002050 (VCV002002050.4), dbSNP rs2539004212, ClinGen allele CA379936777.
Genomic context (GRCh38, chr11:26,641,936, plus strand): 5'-TGGTCTGCTCTGTGATGTAGGTTGATCCAGAACTGGTGGTCACGACATAAAATCAAGCGG[G>T]GAATACATGATGCTTCCATACCTCAGTGGGAAAATGATTGGAATCTGCAGCCCATGAACC-3'